The following is an entry in ClinVar:

ClinVar aggregate classification (germline): Uncertain significance (1 of 4 stars; one submission).

Submission:

GeneDx
Classification: Uncertain significance. Last evaluated: 2025-03-05. Review status: criteria provided, single submitter. Criteria: GeneDx Variant Classification Process June 2021. Collection method: clinical testing. Allele origin: germline. Affected: yes.
Comment: Not observed at significant frequency in large population cohorts (gnomAD); In silico analysis supports that this missense variant has a deleterious effect on protein structure/function; Has not been previously published as pathogenic or benign to our knowledge

NM_198880.3(QRICH1):c.1706T>C (p.Phe569Ser)

Gene: QRICH1 (glutamine rich 1; minus strand). Cytogenetic location: 3p21.31.
Variant type: single nucleotide variant.
Coding change: c.1706T>C on transcript NM_198880.3 (MANE Select); coding-DNA position 1706, T replaced by C.
Protein change: p.Phe569Ser; replaces phenylalanine 569 with serine.
Molecular consequence: missense variant.
Genome position (GRCh38, 1-based): chr3:49,044,470, A>G on the plus strand (T>C on the coding strand, the complement: QRICH1 is on the minus strand). VCF-style: chr3-49044470-A-G. GRCh37 (hg19) VCF-style: chr3-49081903-A-G.
Other names: c.1706T>C, p.Phe569Ser (NM_001320580.2, NM_001320581.2, NM_001320582.2 and 4 more transcripts); short protein forms F569S.
Identifiers: ClinVar variation 4082678 (VCV004082678.1).